The following is an entry in ClinVar:

NM_020821.3(VPS13C):c.8017C>T (p.Arg2673Trp)

Gene: VPS13C (vacuolar protein sorting 13 homolog C; minus strand). Cytogenetic location: 15q22.2.
Variant type: single nucleotide variant.
Coding change: c.8017C>T on transcript NM_020821.3 (MANE Select); coding-DNA position 8017, C replaced by T.
Protein change: p.Arg2673Trp; replaces arginine 2673 with tryptophan.
Molecular consequence: missense variant.
Genome position (GRCh38, 1-based): chr15:61,917,379, G>A on the plus strand (C>T on the coding strand, the complement: VPS13C is on the minus strand). VCF-style: chr15-61917379-G-A. GRCh37 (hg19) VCF-style: chr15-62209578-G-A.
Other names: c.8017C>T, p.Arg2673Trp (NM_001018088.3); c.7888C>T, p.Arg2630Trp (NM_017684.5, NM_018080.4); short protein forms R2630W, R2673W.
Identifiers: ClinVar variation 2998482 (VCV002998482.3), dbSNP rs752109410, ClinGen allele CA7595111.

ClinVar aggregate classification (germline): Uncertain significance (1 of 4 stars; one submission).

Allele frequency attached by ClinVar (database versions not stated): gnomAD 0.00001; TOPMed 0.00002.

Submission:

Labcorp Genetics (formerly Invitae), Labcorp
Classification: Uncertain significance. Last evaluated: 2025-03-29. Review status: criteria provided, single submitter. Criteria: Invitae Variant Classification Sherloc (09022015). Collection method: clinical testing. Allele origin: germline.
Comment: This sequence change replaces arginine, which is basic and polar, with tryptophan, which is neutral and slightly polar, at codon 2673 of the VPS13C protein (p.Arg2673Trp). This variant is present in population databases (rs752109410, gnomAD 0.01%). This missense change has been observed in individual(s) with clinical feature of Parkinson disease (internal data). ClinVar contains an entry for this variant (Variation ID: 2998482). Invitae Evidence Modeling of protein sequence and biophysical properties (such as structural, functional, and spatial information, amino acid conservation, physicochemical variation, residue mobility, and thermodynamic stability) indicates that this missense variant is expected to disrupt VPS13C protein function with a positive predictive value of 80%. In summary, the available evidence is currently insufficient to determine the role of this variant in disease. Therefore, it has been classified as a Variant of Uncertain Significance.